The following is an entry in ClinVar:

NM_000489.6(ATRX):c.4863G>A (p.Thr1621=)

Gene: ATRX (ATRX chromatin remodeler; minus strand). Cytogenetic location: Xq21.1.
Variant type: single nucleotide variant.
Coding change: c.4863G>A on transcript NM_000489.6 (MANE Select); coding-DNA position 4863, G replaced by A.
Protein change: p.Thr1621=; no amino-acid change (threonine 1621 retained).
Molecular consequence: synonymous variant.
Genome position (GRCh38, 1-based): chrX:77,633,659, C>T on the plus strand (G>A on the coding strand, the complement: ATRX is on the minus strand). VCF-style: chrX-77633659-C-T. GRCh37 (hg19) VCF-style: chrX-76889147-C-T.
Other names: c.4749G>A, p.Thr1583= (NM_138270.5).
Identifiers: ClinVar variation 697296 (VCV000697296.34), dbSNP rs782108010, ClinGen allele CA10457736.
Genomic context (GRCh38, chrX:77,633,659, plus strand): 5'-CCACTTCTCAAATTCATTCATCCAATTCAAAGCAGTATTAAGAGGACAAACCACTAACGC[C>T]GTGCTGAAATCCAGTTTGTCACACAAAAGAACTGTATGAAGAAAACTTACCACCTATAAG-3'
Protein context (NP_000480.3, residues 1611-1631): VLLCDKLDFS[Thr1621=]ALVVCPLNTA

ClinVar aggregate classification (germline): Likely benign. Review status: criteria provided, multiple submitters, no conflicts (2 of 4 stars). 2 submissions from 2 submitters: Likely benign (2). Last evaluated 2025-10-20.

Conditions:
Alpha thalassemia-X-linked intellectual disability syndrome (ATRX). Also called: ATR-X syndrome; Alpha thalassemia mental retardation syndrome, nondeletion type, X-linked; XLMR hypotonic face syndrome; ALPHA-THALASSEMIA/MENTAL RETARDATION SYNDROME, X-LINKED; ATR, NONDELETION TYPE; X-linked alpha-thalassemia-mental retardation syndrome. Identifiers: Orphanet 847, MedGen C1845055, MONDO:0010519, OMIM 301040.

Allele frequency attached by ClinVar (database versions not stated): gnomAD exomes 0.00003 and 0.00007; ExAC 0.00008; TOPMed 0.00001; gnomAD 0.00001.
gnomAD v4.1: 37 of 1,208,027 alleles (0.0031%); highest among the groups gnomAD compares: East Asian, 0.062%; no homozygotes.

Submissions (2):

Labcorp Genetics (formerly Invitae), Labcorp
Classification: Likely benign for Alpha thalassemia-X-linked intellectual disability syndrome. Last evaluated: 2025-10-20. Review status: criteria provided, single submitter. Criteria: Invitae Variant Classification Sherloc (09022015). Collection method: clinical testing. Allele origin: germline.

CeGaT Center for Human Genetics Tuebingen
Classification: Likely benign. Last evaluated: 2023-11-01. Review status: criteria provided, single submitter. Criteria: CeGaT Center For Human Genetics Tuebingen Variant Classification Criteria Version 2. Collection method: clinical testing. Allele origin: germline. Affected: yes. Observed: 1 variant allele.
Comment: ATRX: BP4, BP7